The following is an entry in ClinVar:

ClinVar aggregate classification (germline): Uncertain significance (1 of 4 stars; one submission).

Submission:

Labcorp Genetics (formerly Invitae), Labcorp
Classification: Uncertain significance. Last evaluated: 2023-09-10. Review status: criteria provided, single submitter. Criteria: Invitae Variant Classification Sherloc (09022015). Collection method: clinical testing. Allele origin: germline.
Comment: A copy number gain of the genomic region encompassing the full coding sequence of the DNA2 gene has been identified. The boundaries of this event are unknown as they extend beyond the assayed region for this gene and therefore may encompass additional genes. As the precise location of this event is unknown, it may be in tandem or it may be located elsewhere in the genome. This variant has not been reported in the literature in individuals affected with DNA2-related conditions. In summary, the available evidence is currently insufficient to determine the role of this variant in disease. Therefore, it has been classified as a Variant of Uncertain Significance.

NC_000010.10:g.(?_70174796)_(70231621_?)dup

Gene: DNA2 (DNA replication helicase/nuclease 2; minus strand). Cytogenetic location: 10q21.3.
Variant type: Duplication.
Identifiers: ClinVar variation 2423644 (VCV002423644.4).